The following is an entry in ClinVar:

ClinVar aggregate classification (germline): Pathogenic (1 of 4 stars; one submission).

Conditions:
Microcephaly 5, primary, autosomal recessive (MCPH5). Also called: ASPM Primary Microcephaly. Identifiers: Orphanet 2512, MedGen C1837501, MONDO:0012106, OMIM 608716.

Submission:

Victorian Clinical Genetics Services, Murdoch Childrens Research Institute
Classification: Pathogenic for Microcephaly 5, primary, autosomal recessive. Last evaluated: 2023-07-17. Review status: criteria provided, single submitter. Criteria: ACMG Guidelines, 2015. Collection method: clinical testing. Allele origin: germline. Inheritance: Autosomal recessive inheritance. Affected: yes.
Comment: Based on the classification scheme VCGS_Germline_v1.3.4, this variant is classified as Pathogenic. Following criteria are met: 0102 - Loss of function is a known mechanism of disease in this gene and is associated with primary microcephaly 5 (MIM#608716). (I) 0106 - This gene is associated with autosomal recessive disease. (I) 0201 - Variant is predicted to cause nonsense-mediated decay (NMD) and loss of protein (premature termination codon is located at least 54 nucleotides upstream of the final exon-exon junction). (SP) 0251 - This variant is heterozygous. (I) 0301 - Variant is absent from gnomAD (both v2 and v3). (SP) 0701 - Other null variants comparable to the one identified in this case have very strong previous evidence for pathogenicity. Homozygous and compound heterozygous NMD-predicted variants are well reported in affected individuals in ClinVar and the literature (PMID:29243349). (SP) 0807 - This variant has no previous evidence of pathogenicity. (I) 0905 - No published segregation evidence has been identified for this variant. (I) 1007 - No published functional evidence has been identified for this variant. (I) Legend: (SP) - Supporting pathogenic, (I) - Information, (SB) - Supporting benign

Literature cited by the submitters: PubMed 29243349.

NM_018136.5(ASPM):c.2715_2717delinsAATGAGTC (p.Ile906fs)

Gene: ASPM (assembly factor for spindle microtubules; minus strand). Cytogenetic location: 1q31.3.
Variant type: Indel.
Coding change: c.2715_2717delinsAATGAGTC on transcript NM_018136.5 (MANE Select); coding-DNA positions 2715 to 2717, CAT replaced by AATGAGTC.
Protein change: p.Ile906fs; shifts the reading frame from isoleucine 906.
Molecular consequence: frameshift variant.
Genome position (GRCh38, 1-based): chr1:197,129,230-197,129,232, ATG replaced by GACTCATT on the plus strand (CAT replaced by AATGAGTC on the coding strand, the reverse complement: ASPM is on the minus strand). VCF-style: chr1-197129230-ATG-GACTCATT. GRCh37 (hg19) VCF-style: chr1-197098360-ATG-GACTCATT.
Other names: c.2715_2717delinsAATGAGTC, p.Ile906fs (NM_001206846.2); short protein forms I906fs.
Identifiers: ClinVar variation 3254709 (VCV003254709.1), dbSNP rs2527366225.